The following is an entry in ClinVar:

ClinVar aggregate classification (germline): Pathogenic (1 of 4 stars; one submission).

Conditions:
Meckel-Gruber syndrome. Also called: DYSENCEPHALIA SPLANCHNOCYSTICA; GRUBER SYNDROME; Dysencephalia splachnocystica. Identifiers: Orphanet 564, MedGen C0265215, MONDO:0018921.
Joubert syndrome. Also called: CEREBELLOPARENCHYMAL DISORDER IV; JOUBERT-BOLTSHAUSER SYNDROME; Familial aplasia of the vermis. Identifiers: Orphanet 475, MedGen C5979921, MONDO:0018772.

Submission:

Labcorp Genetics (formerly Invitae), Labcorp
Classification: Pathogenic for Joubert syndrome; Meckel-Gruber syndrome. Last evaluated: 2019-05-31. Review status: criteria provided, single submitter. Criteria: Invitae Variant Classification Sherloc (09022015). Collection method: clinical testing. Allele origin: germline.
Comment: This variant has not been reported in the literature in individuals with TCTN1-related conditions. Loss-of-function variants in TCTN1 are known to be pathogenic (PMID: 21725307). For these reasons, this variant has been classified as Pathogenic. This variant is not present in population databases (ExAC no frequency). This sequence change creates a premature translational stop signal (p.Leu311Glyfs*4) in the TCTN1 gene. It is expected to result in an absent or disrupted protein product.

Literature cited by the submitters: PubMed 21725307.

NM_001082538.3(TCTN1):c.902_929dup (p.Thr310_Leu311insGlyGlyHisTer)

Gene: TCTN1 (tectonic family member 1; plus strand). Cytogenetic location: 12q24.11.
Variant type: Duplication.
Coding change: c.902_929dup on transcript NM_001082538.3 (MANE Select); coding-DNA positions 902 to 929, 28 bases duplicated (GGGAGGACACTGATGTGCTGCAGCCGAC).
Protein change: p.Thr310_Leu311insGlyGlyHisTer.
Molecular consequence: nonsense, inframe insertion. On other transcripts: non-coding transcript variant (1).
Genome position (GRCh38, 1-based): chr12:110,640,441-110,640,468, GGGAGGACACTGATGTGCTGCAGCCGAC duplicated; duplicating any 28 consecutive bases within chr12:110,640,436-110,640,468 gives the same sequence; the c. name uses the placement nearest the transcript's 3' end. VCF-style (leftmost placement, unchanged base first): chr12-110640435-C-CCCGACGGGAGGACACTGATGTGCTGCAG. GRCh37 (hg19) VCF-style: chr12-111078240-C-CCCGACGGGAGGACACTGATGTGCTGCAG.
Other names: c.902_929dup, p.Thr310_Leu311insGlyGlyHisTer (NM_001082537.3, NM_001319680.2); c.734_761dup, p.Thr254_Leu255insGlyGlyHisTer (NM_001173975.3); c.722_749dup, p.Thr250_Leu251insGlyGlyHisTer (NM_001173976.2); c.368_395dup, p.Thr132_Leu133insGlyGlyHisTer (NM_001319681.2); c.860_887dup, p.Thr296_Leu297insGlyGlyHisTer (NM_024549.6).
Identifiers: ClinVar variation 834702 (VCV000834702.8), dbSNP rs2066879614, ClinGen allele CA916083336.
Genomic context (GRCh38, chr12:110,640,435, plus strand): 5'-CTCTGCAGGTCCCTATCACTGTTCAGTCCATCGTCATTCAGTCTCTAAATAAAACGCTCA[C>CCCGACGGGAGGACACTGATGTGCTGCAG]CCGACGGGAGGACACTGATGTGCTGCAGCCGACTCTCGTCAACGCTGGACACTTTAGCCT-3'